The following is an entry in ClinVar:

NM_015978.3(TNNI3K):c.1471C>G (p.Arg491Gly)

Genes: FPGT-TNNI3K (FPGT-TNNI3K readthrough; plus strand), TNNI3K (TNNI3 interacting kinase; plus strand). Cytogenetic location: 1p31.1.
Variant type: single nucleotide variant.
Coding change: c.1471C>G on transcript NM_015978.3 (MANE Select); coding-DNA position 1471, C replaced by G.
Protein change: p.Arg491Gly; replaces arginine 491 with glycine.
Molecular consequence: missense variant.
Genome position (GRCh38, 1-based): chr1:74,369,263, C>G. VCF-style: chr1-74369263-C-G. GRCh37 (hg19) VCF-style: chr1-74834947-C-G.
Other names: c.1774C>G, p.Arg592Gly (NM_001112808.3, NM_001199327.2); short protein forms R491G, R592G.
Identifiers: ClinVar variation 3006835 (VCV003006835.3), dbSNP rs79936844, ClinGen allele CA340786035.
Genomic context (GRCh38, chr1:74,369,263, plus strand): 5'-GTAGGTTCTTTTGGGAAAGTATATAAAGGACGATGCAGAAATAAAATAGTGGCTATAAAA[C>G]GGTAAGCAAGCAAATGAAAAAATTTAACATCCAGGTGGAATTGTGACCTTTGAGAAGCAT-3'
Protein context (NP_057062.1, residues 481-501): RCRNKIVAIK[Arg491Gly]YRANTYCSKS

ClinVar aggregate classification (germline): Uncertain significance (1 of 4 stars; one submission).

gnomAD v4.1: 1 of 1,611,884 alleles (0.000062%); highest among the groups gnomAD compares: South Asian, 0.0011%; no homozygotes.

Submission:

Labcorp Genetics (formerly Invitae), Labcorp
Classification: Uncertain significance. Last evaluated: 2023-06-24. Review status: criteria provided, single submitter. Criteria: Invitae Variant Classification Sherloc (09022015). Collection method: clinical testing. Allele origin: germline.
Comment: This sequence change replaces arginine, which is basic and polar, with glycine, which is neutral and non-polar, at codon 491 of the TNNI3K protein (p.Arg491Gly). This variant is not present in population databases (gnomAD no frequency). This variant has not been reported in the literature in individuals affected with TNNI3K-related conditions. An algorithm developed to predict the effect of missense changes on protein structure and function (PolyPhen-2) suggests that this variant is likely to be disruptive. In summary, the available evidence is currently insufficient to determine the role of this variant in disease. Therefore, it has been classified as a Variant of Uncertain Significance.